The following is an entry in ClinVar:

NM_001868.4(CPA1):c.706T>C (p.Trp236Arg)

Gene: CPA1 (carboxypeptidase A1; plus strand). Cytogenetic location: 7q32.2.
Variant type: single nucleotide variant.
Coding change: c.706T>C on transcript NM_001868.4 (MANE Select); coding-DNA position 706, T replaced by C.
Protein change: p.Trp236Arg; replaces tryptophan 236 with arginine.
Molecular consequence: missense variant.
Genome position (GRCh38, 1-based): chr7:130,384,545, T>C. VCF-style: chr7-130384545-T-C. GRCh37 (hg19) VCF-style: chr7-130024386-T-C.
Other names: short protein forms W236R.
Identifiers: ClinVar variation 1757001 (VCV001757001.2), dbSNP rs1554411717, ClinGen allele CA369282901.
Genomic context (GRCh38, chr7:130,384,545, plus strand): 5'-TGACAAGCGTCACACGTGCCTCGGGGTGGCTGATCCCATTTCCTTCCTCAGAATCGCATG[T>C]GGCGCAAGACTCGGTCCCACACAGCAGGCTCCCTCTGTATTGGCGTGGACCCCAACAGGA-3'
Protein context (NP_001859.1, residues 226-246): FAFTHSTNRM[Trp236Arg]RKTRSHTAGS

ClinVar aggregate classification (germline): Uncertain significance (1 of 4 stars; one submission).

Conditions:
Hereditary pancreatitis (PCTT). Also called: Hereditary chronic pancreatitis; PRSS1-Related Hereditary Pancreatitis. Identifiers: Orphanet 676, MedGen C0238339, MONDO:0008185, OMIM 167800.

gnomAD v4.1: 2 of 1,614,092 alleles (0.00012%); highest among the groups gnomAD compares: African/African-American, 0.0027%; no homozygotes.

Submission:

Ambry Genetics
Classification: Uncertain significance for Hereditary pancreatitis. Last evaluated: 2023-12-17. Review status: criteria provided, single submitter. Criteria: Ambry Variant Classification Scheme 2023. Collection method: clinical testing. Allele origin: germline.
Comment: The p.W236R variant (also known as c.706T>C), located in coding exon 7 of the CPA1 gene, results from a T to C substitution at nucleotide position 706. The tryptophan at codon 236 is replaced by arginine, an amino acid with dissimilar properties. This amino acid position is conserved. In addition, this alteration is predicted to be deleterious by in silico analysis. Since supporting evidence is limited at this time, the clinical significance of this alteration remains unclear.